The following is an entry in ClinVar:

ClinVar aggregate classification (germline): Uncertain significance (1 of 4 stars; one submission).

Conditions:
IFNLR1-related disorder. Also called: IFNLR1-related condition.

gnomAD v4.1: 32 of 1,614,072 alleles (0.002%); highest among the groups gnomAD compares: Non-Finnish European, 0.0027%; no homozygotes.

Submission:

PreventionGenetics, part of Exact Sciences
Classification: Uncertain significance for IFNLR1-related condition. Last evaluated: 2024-12-31. Review status: criteria provided, single submitter. Criteria: ACMG Guidelines, 2015. Collection method: clinical testing. Allele origin: germline.
Comment: The IFNLR1 c.1276C>G variant is predicted to result in the amino acid substitution p.Pro426Ala. To our knowledge, this variant has not been reported in the literature. This variant is reported in 0.0016% of alleles in individuals of European (Non-Finnish) descent in gnomAD. At this time, the clinical significance of this variant is uncertain due to the absence of conclusive functional and genetic evidence.

NM_170743.4(IFNLR1):c.1276C>G (p.Pro426Ala)

Gene: IFNLR1 (interferon lambda receptor 1; minus strand). Cytogenetic location: 1p36.11.
Variant type: single nucleotide variant.
Coding change: c.1276C>G on transcript NM_170743.4 (MANE Select); coding-DNA position 1276, C replaced by G.
Protein change: p.Pro426Ala; replaces proline 426 with alanine.
Molecular consequence: missense variant. On other transcripts: 3 prime UTR variant (1).
Genome position (GRCh38, 1-based): chr1:24,157,417, G>C on the plus strand (C>G on the coding strand, the complement: IFNLR1 is on the minus strand). VCF-style: chr1-24157417-G-C. GRCh37 (hg19) VCF-style: chr1-24483907-G-C.
Other names: c.1189C>G, p.Pro397Ala (NM_173064.3); c.*410C>G (NM_173065.3); short protein forms P397A, P426A.
Identifiers: ClinVar variation 4978132 (VCV004978132.1).